The following is an entry in ClinVar:

NM_001385875.1(ZFYVE27):c.415C>T (p.Arg139Cys)

Gene: ZFYVE27 (zinc finger FYVE-type containing 27; plus strand). Cytogenetic location: 10q24.2.
Variant type: single nucleotide variant.
Coding change: c.415C>T on transcript NM_001385875.1 (MANE Select); coding-DNA position 415, C replaced by T.
Protein change: p.Arg139Cys; replaces arginine 139 with cysteine.
Molecular consequence: missense variant. On other transcripts: non-coding transcript variant (15), intron variant (9).
Genome position (GRCh38, 1-based): chr10:97,744,875, C>T. VCF-style: chr10-97744875-C-T. GRCh37 (hg19) VCF-style: chr10-99504632-C-T.
Other names: c.415C>T, p.Arg139Cys (NM_001002261.4, NM_001002262.4, NM_001385871.1 and 10 more transcripts); c.319C>T, p.Arg107Cys (NM_001174119.2, NM_001385885.1, NM_001385887.1 and 1 more transcripts); c.121C>T, p.Arg41Cys (NM_001174121.2, NM_001385915.1); c.454C>T, p.Arg152Cys (NM_001385876.1); c.379C>T, p.Arg127Cys (NM_001385881.1); c.211C>T, p.Arg71Cys (NM_001385890.1, NM_001385891.1, NM_001385892.1 and 6 more transcripts); c.178C>T, p.Arg60Cys (NM_001385899.1, NM_001385900.1, NM_001385903.1 and 3 more transcripts); c.198-3394C>T (NM_001385902.1, NM_001385908.1, NM_001385901.1 and 3 more transcripts); and 2 more; short protein forms R139C, R107C, R41C, R127C, R152C, R60C, R71C.
Identifiers: ClinVar variation 560372 (VCV000560372.9), dbSNP rs369972013, ClinGen allele CA5635155.
Genomic context (GRCh38, chr10:97,744,875, plus strand): 5'-GATTCCGAGCTGATGCGGAGGAAGTATCATAGCGTGAGGCAGGAGGACCTGCAGAGAGGT[C>T]GCCTGTCTCGTCCCGAGGCCGTGGCTGAGGTGAAGAGCTTGTGAGTATGGAAGAGAGGCC-3'
Protein context (NP_001372804.1, residues 129-149): SVRQEDLQRG[Arg139Cys]LSRPEAVAEV

ClinVar aggregate classification (germline): Uncertain significance. Review status: criteria provided, single submitter (1 of 4 stars). 2 submissions from 2 submitters: Uncertain significance (1). 1 of the submissions does not count toward it. Last evaluated 2023-08-28.

Conditions:
Spastic paraplegia. Identifiers: MedGen C0037772, HP:0001258.

Allele frequency attached by ClinVar (database versions not stated): gnomAD exomes 0.00002 and 0.00004; ExAC 0.00005; ESP Exome Variant Server 0.00008; gnomAD 0.00011; TOPMed 0.00015.
gnomAD v4.1: 55 of 1,605,976 alleles (0.0034%); highest among the groups gnomAD compares: African/African-American, 0.025%; no homozygotes.

Submissions (2):

Labcorp Genetics (formerly Invitae), Labcorp
Classification: Uncertain significance for Spastic paraplegia. Last evaluated: 2023-08-28. Review status: criteria provided, single submitter. Criteria: Invitae Variant Classification Sherloc (09022015). Collection method: clinical testing. Allele origin: germline.
Comment: This sequence change replaces arginine, which is basic and polar, with cysteine, which is neutral and slightly polar, at codon 139 of the ZFYVE27 protein (p.Arg139Cys). In summary, the available evidence is currently insufficient to determine the role of this variant in disease. Therefore, it has been classified as a Variant of Uncertain Significance. An algorithm developed to predict the effect of missense changes on protein structure and function (PolyPhen-2) suggests that this variant is likely to be tolerated. ClinVar contains an entry for this variant (Variation ID: 560372). This variant has not been reported in the literature in individuals affected with ZFYVE27-related conditions. This variant is present in population databases (rs369972013, gnomAD 0.04%), and has an allele count higher than expected for a pathogenic variant.

Institute of Human Genetics, University of Wuerzburg
Classification: Uncertain significance for Spastic paraplegia. Review status: no assertion criteria provided. Collection method: clinical testing. Allele origin: unknown. Not counted in ClinVar's aggregate classification.